The following is an entry in ClinVar:

ClinVar aggregate classification (germline): Likely benign (0 of 4 stars; one submission).

Conditions:
MYO9B-related disorder. Also called: MYO9B-related condition.

Allele frequency attached by ClinVar (database versions not stated): gnomAD 0.00005; TOPMed 0.00006; ESP Exome Variant Server 0.00016.
gnomAD v4.1: 91 of 1,608,082 alleles (0.0057%); highest among the groups gnomAD compares: Non-Finnish European, 0.0073%; no homozygotes.

Submission:

PreventionGenetics, part of Exact Sciences
Classification: Likely benign for MYO9B-related condition. Last evaluated: 2019-03-26. Review status: no assertion criteria provided. Collection method: clinical testing. Allele origin: germline.
Comment: This variant is classified as likely benign based on ACMG/AMP sequence variant interpretation guidelines (Richards et al. 2015 PMID: 25741868, with internal and published modifications).

NM_004145.4(MYO9B):c.5386+10A>G

Gene: MYO9B (myosin IXB; plus strand). Cytogenetic location: 19p13.11.
Variant type: single nucleotide variant.
Coding change: c.5386+10A>G on transcript NM_004145.4 (MANE Select); 10 bases into the intron after coding-DNA position 5386, A replaced by G.
Molecular consequence: intron variant.
Genome position (GRCh38, 1-based): chr19:17,206,386, A>G. VCF-style: chr19-17206386-A-G. GRCh37 (hg19) VCF-style: chr19-17317195-A-G.
Other names: c.5386+10A>G (NM_001130065.2).
Identifiers: ClinVar variation 3046353 (VCV003046353.2), dbSNP rs376194543, ClinGen allele CA9288537.